The following is an entry in ClinVar:

NM_000528.4(MAN2B1):c.2696C>A (p.Ser899Ter)

Genes: MAN2B1 (mannosidase alpha class 2B member 1; minus strand), LOC130063648 (ATAC-STARR-seq lymphoblastoid active region 14063; plus strand). Cytogenetic location: 19p13.13.
Variant type: single nucleotide variant.
Coding change: c.2696C>A on transcript NM_000528.4 (MANE Select); coding-DNA position 2696, C replaced by A.
Protein change: p.Ser899Ter; replaces serine 899 with a stop codon.
Molecular consequence: nonsense.
Genome position (GRCh38, 1-based): chr19:12,647,567, G>T on the plus strand (C>A on the coding strand, the complement: MAN2B1 is on the minus strand). VCF-style: chr19-12647567-G-T. GRCh37 (hg19) VCF-style: chr19-12758381-G-T.
Other names: c.2693C>A, p.Ser898Ter (NM_001173498.2); short protein forms S899*, S898*.
Identifiers: ClinVar variation 370174 (VCV000370174.17), dbSNP rs767323371, ClinGen allele CA9225943.

ClinVar aggregate classification (germline): Pathogenic/Likely pathogenic. Review status: criteria provided, multiple submitters, no conflicts (2 of 4 stars). 7 submissions from 7 submitters: Pathogenic (3); Likely pathogenic (3). 1 of the submissions does not count toward it. Last evaluated 2026-08-06.

Conditions:
Deficiency of alpha-mannosidase (MANSA). Also called: LYSOSOMAL ALPHA-D-MANNOSIDASE DEFICIENCY; Mannosidosis, alpha-, types I and II; Alpha-Mannosidosis. Identifiers: Orphanet 61, MedGen C0024748, MONDO:0009561, OMIM 248500.

Allele frequency attached by ClinVar (database versions not stated): gnomAD exomes below 0.00001; ExAC 0.00001; TOPMed 0.00002.
gnomAD v4.1: 12 of 1,614,066 alleles (0.00074%); highest among the groups gnomAD compares: Non-Finnish European, 0.001%; no homozygotes.

Submissions (7):

OLLIN Analises Genomicas, OLLIN
Classification: Likely pathogenic for Deficiency of alpha-mannosidase. Last evaluated: 2026-08-06. Review status: criteria provided, single submitter. Criteria: ACMG Guidelines 2015 PMID 25741868. Collection method: clinical testing. Allele origin: germline.
Comment: This nonsense variant, located in exon 22 (of 24), has been reported in ClinVar (accession VCV000370174.16) and in gnomAD with an allele frequency of 0.00074%. However, to our knowledge, it has not been reported in the scientific literature. This variant introduces a premature stop codon, which is predicted to result in either a truncated protein or degradation of the mRNA via nonsense-mediated decay (NMD). According to the currently available evidence, this variant has been classified as likely pathogenic (PVS1, PM2_P).

Dasa
Classification: Pathogenic. Last evaluated: 2025-08-18. Review status: criteria provided, single submitter. Criteria: DASA Assertion Criteria. Collection method: clinical testing. Allele origin: germline.
Comment: NM_000528.4(MAN2B1):c.2696C>A (p.Ser899*) introduces a premature termination codon predicted to result in loss of normal protein function. Loss-of-function is an established mechanism of disease for this gene. This variant has been reported in an affected individual with related phenotype in a genotype context consistent with recessive disease (PMID: 39593065). Segregation evidence has been reported in affected families. The variant is present at low frequency in population datasets. Based on the available data, this variant is classified as pathogenic.

Labcorp Genetics (formerly Invitae), Labcorp
Classification: Pathogenic for Deficiency of alpha-mannosidase. Last evaluated: 2024-03-14. Review status: criteria provided, single submitter. Criteria: Invitae Variant Classification Sherloc (09022015). Collection method: clinical testing. Allele origin: germline.
Comment: This sequence change creates a premature translational stop signal (p.Ser899*) in the MAN2B1 gene. It is expected to result in an absent or disrupted protein product. Loss-of-function variants in MAN2B1 are known to be pathogenic (PMID: 9915946, 22161967). This variant is present in population databases (rs767323371, gnomAD 0.0009%). This variant has not been reported in the literature in individuals affected with MAN2B1-related conditions. ClinVar contains an entry for this variant (Variation ID: 370174). For these reasons, this variant has been classified as Pathogenic.

Baylor Genetics
Classification: Likely pathogenic for Deficiency of alpha-mannosidase. Last evaluated: 2023-12-04. Review status: criteria provided, single submitter. Criteria: ACMG Guidelines, 2015. Collection method: clinical testing. Allele origin: unknown.

Department of Pathology and Laboratory Medicine, Sinai Health System
Classification: Likely pathogenic for Deficiency of alpha-mannosidase. Last evaluated: 2022-11-30. Review status: criteria provided, single submitter. Criteria: ACMG Guidelines, 2015. Collection method: research. Allele origin: germline.

Genome-Nilou Lab
Classification: Pathogenic for Deficiency of alpha-mannosidase. Last evaluated: 2021-09-05. Review status: criteria provided, single submitter. Criteria: ACMG Guidelines, 2015. Collection method: clinical testing. Allele origin: germline. Affected: no.

Counsyl
Classification: Likely pathogenic for Deficiency of alpha-mannosidase. Last evaluated: 2015-12-08. Review status: no assertion criteria provided. Collection method: clinical testing. Allele origin: unknown. Not counted in ClinVar's aggregate classification.

Literature cited by the submitters: PubMed 39593065 (cited by Dasa); PubMed 9915946 (cited by Labcorp Genetics (formerly Invitae), Labcorp); PubMed 22161967 (cited by Labcorp Genetics (formerly Invitae), Labcorp).